The following is an entry in ClinVar:

NM_033056.4(PCDH15):c.4729_4736del (p.Ser1577fs)

Gene: PCDH15 (protocadherin related 15; minus strand). Cytogenetic location: 10q21.1.
Variant type: Microsatellite.
Coding change: c.4729_4736del on transcript NM_033056.4 (MANE Plus Clinical); coding-DNA positions 4729 to 4736, 8 bases deleted (TCAGTCAG; older notation c.4729_4736delTCAGTCAG).
Protein change: p.Ser1577fs; shifts the reading frame from serine 1577.
Molecular consequence: frameshift variant. On other transcripts: intron variant (8).
Genome position (GRCh38, 1-based): chr10:53,822,990-53,822,997, CTGACTGA deleted on the plus strand (TCAGTCAG on the coding strand, the reverse complement: PCDH15 is on the minus strand); deleting any 8 consecutive bases within chr10:53,822,990-53,823,003 gives the same sequence; the c. name uses the placement nearest the transcript's 3' end. VCF-style (leftmost placement, unchanged base first): chr10-53822989-GCTGACTGA-G. GRCh37 (hg19) VCF-style: chr10-55582749-GCTGACTGA-G.
Other names: c.4750_4757del, p.Ser1584fs (NM_001142763.2); c.4735_4742del, p.Ser1579fs (NM_001142764.2); c.4522_4529del, p.Ser1508fs (NM_001142765.2); c.4720_4727del, p.Ser1574fs (NM_001142766.2); c.4609_4616del, p.Ser1537fs (NM_001142767.2); c.4669_4676del, p.Ser1557fs (NM_001142768.2); c.4660_4667del, p.Ser1554fs (NM_001142773.2); c.4663_4670del, p.Ser1555fs (NM_001354404.2); and 6 more; short protein forms S1508fs, S1554fs, S1557fs, S1537fs, S1577fs, S1584fs, S1555fs, S1574fs.
Identifiers: ClinVar variation 2835674 (VCV002835674.3), dbSNP rs770063261, ClinGen allele CA2739265379.

ClinVar aggregate classification (germline): Pathogenic (1 of 4 stars; one submission).

Submission:

Labcorp Genetics (formerly Invitae), Labcorp
Classification: Pathogenic. Last evaluated: 2023-09-21. Review status: criteria provided, single submitter. Criteria: Invitae Variant Classification Sherloc (09022015). Collection method: clinical testing. Allele origin: germline.
Comment: For these reasons, this variant has been classified as Pathogenic. This variant disrupts a region of the PCDH15 protein in which other variant(s) (p.Val1578Alafs*6) have been determined to be pathogenic (PMID: 33089500; Invitae). This suggests that this is a clinically significant region of the protein, and that variants that disrupt it are likely to be disease-causing. This variant has not been reported in the literature in individuals affected with PCDH15-related conditions. This variant is not present in population databases (gnomAD no frequency). This sequence change creates a premature translational stop signal (p.Ser1577Leufs*12) in the PCDH15 gene. While this is not anticipated to result in nonsense mediated decay, it is expected to disrupt the last 379 amino acid(s) of the PCDH15 protein.

Literature cited by the submitters: PubMed 33089500.